The following is an entry in ClinVar:

ClinVar aggregate classification (germline): Uncertain significance (1 of 4 stars; one submission).

Conditions:
Charcot-Marie-Tooth disease type 4. Also called: Charcot-Marie-Tooth disease, type IV; Charcot-Marie-Tooth, Type 4. Identifiers: Orphanet 64749, MedGen C4082197, MONDO:0018995.

Submission:

Labcorp Genetics (formerly Invitae), Labcorp
Classification: Uncertain significance for Charcot-Marie-Tooth disease type 4. Last evaluated: 2018-10-01. Review status: criteria provided, single submitter. Criteria: Invitae Variant Classification Sherloc (09022015). Collection method: clinical testing. Allele origin: germline.
Comment: This sequence change replaces tyrosine with serine at codon 13 of the SBF2 protein (p.Tyr13Ser). The tyrosine residue is moderately conserved and there is a large physicochemical difference between tyrosine and serine. The frequency data for this variant in the population databases is considered unreliable, as metrics indicate insufficient coverage at this position in the ExAC database. This variant has not been reported in the literature in individuals with SBF2-related disease. Algorithms developed to predict the effect of missense changes on protein structure and function are either unavailable or do not agree on the potential impact of this missense change (SIFT: "Deleterious"; PolyPhen-2: "Benign"; Align-GVGD: "Class C0"). In summary, the available evidence is currently insufficient to determine the role of this variant in disease. Therefore, it has been classified as a Variant of Uncertain Significance.

NM_030962.4(SBF2):c.38A>C (p.Tyr13Ser)

Genes: SBF2 (SET binding factor 2; minus strand), LOC130005303 (ATAC-STARR-seq lymphoblastoid silent region 3141; plus strand). Cytogenetic location: 11p15.4.
Variant type: single nucleotide variant.
Coding change: c.38A>C on transcript NM_030962.4 (MANE Select); coding-DNA position 38, A replaced by C.
Protein change: p.Tyr13Ser; replaces tyrosine 13 with serine.
Molecular consequence: missense variant.
Genome position (GRCh38, 1-based): chr11:10,294,032, T>G on the plus strand (A>C on the coding strand, the complement: SBF2 is on the minus strand). VCF-style: chr11-10294032-T-G. GRCh37 (hg19) VCF-style: chr11-10315579-T-G.
Other names: c.38A>C, p.Tyr13Ser (NM_001386339.1, NM_001386342.1); short protein forms Y13S.
Identifiers: ClinVar variation 641197 (VCV000641197.9), dbSNP rs1591380986, ClinGen allele CA379851589.